The following is an entry in ClinVar:

NM_000090.4(COL3A1):c.2414C>G (p.Pro805Arg)

Genes: COL3A1 (collagen type III alpha 1 chain; plus strand), LOC126806446 (P300/CBP strongly-dependent group 1 enhancer GRCh37_chr2:189866210-189867409; plus strand). Cytogenetic location: 2q32.2.
Variant type: single nucleotide variant.
Coding change: c.2414C>G on transcript NM_000090.4 (MANE Select); coding-DNA position 2414, C replaced by G.
Protein change: p.Pro805Arg; replaces proline 805 with arginine.
Molecular consequence: missense variant.
Genome position (GRCh38, 1-based): chr2:189,002,320, C>G. VCF-style: chr2-189002320-C-G. GRCh37 (hg19) VCF-style: chr2-189867046-C-G.
Other names: short protein forms P805R.
Identifiers: ClinVar variation 927876 (VCV000927876.5), dbSNP rs1688485263, ClinGen allele CA349842621.

ClinVar aggregate classification (germline): Uncertain significance (1 of 4 stars; one submission).

Conditions:
Familial thoracic aortic aneurysm and aortic dissection (TAAD). Also called: Thoracic aortic aneurysms and dissections. Identifiers: Orphanet 91387, MedGen C4707243, MONDO:0019625.

Submission:

Color Diagnostics, LLC DBA Color Health
Classification: Uncertain significance for Familial thoracic aortic aneurysm and aortic dissection. Last evaluated: 2023-12-04. Review status: criteria provided, single submitter. Criteria: ACMG Guidelines, 2015. Collection method: clinical testing. Allele origin: germline.
Comment: This missense variant replaces proline with arginine at codon 805 of the COL3A1 protein. Computational prediction tools and conservation analyses are inconclusive regarding the impact of this variant on the protein function. Computational splicing tools suggest that this variant may not impact RNA splicing. To our knowledge, functional assays have not been performed for this variant nor has this variant been reported in individuals affected with cardiovascular disorders in the literature. This variant has not been identified in the general population by the Genome Aggregation Database (gnomAD). Available evidence is insufficient to determine the role of this variant in disease conclusively. Therefore, this variant is classified as a Variant of Uncertain Significance.